The following is an entry in ClinVar:

ClinVar aggregate classification (germline): Uncertain significance. Review status: criteria provided, multiple submitters, no conflicts (2 of 4 stars). 5 submissions from 5 submitters: Uncertain significance (5). Last evaluated 2025-05-24.

Conditions:
Cardiovascular phenotype. Identifiers: MedGen CN230736.
ANKRD1-related dilated cardiomyopathy. Identifiers: MedGen CN119551.
Primary dilated cardiomyopathy (DCM). Also called: Dilated Cardiomyopathy. Identifiers: Orphanet 217604, MedGen C0007193, MeSH D002311, MONDO:0005021, HP:0001644. Inheritance: Various modes of inheritance.

Allele frequency attached by ClinVar (database versions not stated): ExAC 0.00002; gnomAD exomes 0.00002; gnomAD 0.00003 and 0.00004; TOPMed 0.00003.
gnomAD v4.1: 34 of 1,613,980 alleles (0.0021%); highest among the groups gnomAD compares: Non-Finnish European, 0.0028%; no homozygotes.

Submissions (5):

Ambry Genetics
Classification: Uncertain significance for Cardiovascular phenotype. Last evaluated: 2025-05-24. Review status: criteria provided, single submitter. Criteria: Ambry Variant Classification Scheme 2023. Collection method: clinical testing. Allele origin: germline.
Comment: The p.H294R variant (also known as c.881A>G), located in coding exon 9 of the ANKRD1 gene, results from an A to G substitution at nucleotide position 881. The histidine at codon 294 is replaced by arginine, an amino acid with highly similar properties. This amino acid position is not well conserved in available vertebrate species. In addition, this alteration is predicted to be tolerated by in silico analysis. Since supporting evidence is limited at this time, the clinical significance of this alteration remains unclear.

Labcorp Genetics (formerly Invitae), Labcorp
Classification: Uncertain significance for ANKRD1-related dilated cardiomyopathy. Last evaluated: 2024-10-18. Review status: criteria provided, single submitter. Criteria: Invitae Variant Classification Sherloc (09022015). Collection method: clinical testing. Allele origin: germline.
Comment: This sequence change replaces histidine, which is basic and polar, with arginine, which is basic and polar, at codon 294 of the ANKRD1 protein (p.His294Arg). This variant is present in population databases (rs754657888, gnomAD 0.005%). This variant has not been reported in the literature in individuals affected with ANKRD1-related conditions. ClinVar contains an entry for this variant (Variation ID: 201668). Invitae Evidence Modeling of protein sequence and biophysical properties (such as structural, functional, and spatial information, amino acid conservation, physicochemical variation, residue mobility, and thermodynamic stability) indicates that this missense variant is not expected to disrupt ANKRD1 protein function with a negative predictive value of 80%. In summary, the available evidence is currently insufficient to determine the role of this variant in disease. Therefore, it has been classified as a Variant of Uncertain Significance.

Mayo Clinic Laboratories, Mayo Clinic
Classification: Uncertain significance. Last evaluated: 2022-01-10. Review status: criteria provided, single submitter. Criteria: ACMG Guidelines, 2015. Collection method: clinical testing. Allele origin: germline.

Illumina Laboratory Services, Illumina
Classification: Uncertain significance for Primary dilated cardiomyopathy. Last evaluated: 2018-01-13. Review status: criteria provided, single submitter. Criteria: ICSL Variant Classification Criteria 13 December 2019. Collection method: clinical testing. Allele origin: germline.

GeneDx
Classification: Uncertain significance. Last evaluated: 2017-04-18. Review status: criteria provided, single submitter. Criteria: GeneDx Variant Classification (06012015). Collection method: clinical testing. Allele origin: germline. Affected: yes.
Comment: The His294Arg variant in the ANKRD1 gene has not been reported as a disease-causing mutation or as a benign polymorphism to our knowledge. His294Arg results in a conservative amino acid substitution of one positively-charged amino acid for another at a position that is not highly conserved across species. Multiple in silico analysis programs predict His294Arg has a benign effect on the protein structure/function. In addition, there have been no nearby mutations reported in association with cardiomyopathy, indicating this region of the protein may be tolerant of change. However, the His294Arg variant was not observed in approximately 6000 individuals of European and African American ancestry in the NHLBI Exome Sequencing Project, indicating it is not a common benign variant in these populations. With the clinical and molecular information available at this time, we cannot definitively determine if His294Arg in the ANKRD1 gene is a disease-causing mutation or a rare benign variant. The variant is found in DCM panel(s).

NM_014391.3(ANKRD1):c.881A>G (p.His294Arg)

Gene: ANKRD1 (ankyrin repeat domain 1; minus strand). Cytogenetic location: 10q23.31.
Variant type: single nucleotide variant.
Coding change: c.881A>G on transcript NM_014391.3 (MANE Select); coding-DNA position 881, A replaced by G.
Protein change: p.His294Arg; replaces histidine 294 with arginine.
Molecular consequence: missense variant.
Genome position (GRCh38, 1-based): chr10:90,912,945, T>C on the plus strand (A>G on the coding strand, the complement: ANKRD1 is on the minus strand). VCF-style: chr10-90912945-T-C. GRCh37 (hg19) VCF-style: chr10-92672702-T-C.
Other names: p.H294R:CAC>CGC; p.His294Arg; short protein forms H294R.
Identifiers: ClinVar variation 201668 (VCV000201668.23), dbSNP rs754657888, ClinGen allele CA335080.
Genomic context (GRCh38, chr10:90,912,945, plus strand): 5'-GAGGTCTTGTAGGAGTTCTCTCTGAGGCTGTCGAATATTGCTTTGGTTCCATTCTGCCAG[T>C]GTAGCACCAGATCCATCGGCGTCTTCCCAGCCTAATCAAATGAGATAAGGAAAGTTGACT-3'
Protein context (NP_055206.2, residues 284-304): AGKTPMDLVL[His294Arg]WQNGTKAIFD